The following is an entry in ClinVar:

NM_000843.4(GRM6):c.2013G>T (p.Lys671Asn)

Genes: GRM6 (glutamate metabotropic receptor 6; minus strand), ZNF454 (zinc finger protein 454; plus strand). Cytogenetic location: 5q35.3.
Variant type: single nucleotide variant.
Coding change: c.2013G>T on transcript NM_000843.4 (MANE Select); coding-DNA position 2013, G replaced by T.
Protein change: p.Lys671Asn; replaces lysine 671 with asparagine.
Molecular consequence: missense variant.
Genome position (GRCh38, 1-based): chr5:178,986,241, C>A on the plus strand (G>T on the coding strand, the complement: GRM6 is on the minus strand). VCF-style: chr5-178986241-C-A. GRCh37 (hg19) VCF-style: chr5-178413242-C-A.
Other names: short protein forms K671N.
Identifiers: ClinVar variation 1018500 (VCV001018500.8), dbSNP rs968441668, ClinGen allele CA133022913.

ClinVar aggregate classification (germline): Uncertain significance (1 of 4 stars; one submission).

Allele frequency attached by ClinVar (database versions not stated): gnomAD exomes below 0.00001; gnomAD 0.00001; TOPMed 0.00001.
gnomAD v4.1: 4 of 1,614,040 alleles (0.00025%); highest among the groups gnomAD compares: African/African-American, 0.0053%; no homozygotes.

Submission:

Labcorp Genetics (formerly Invitae), Labcorp
Classification: Uncertain significance. Last evaluated: 2020-03-05. Review status: criteria provided, single submitter. Criteria: Invitae Variant Classification Sherloc (09022015). Collection method: clinical testing. Allele origin: germline.
Comment: In summary, the available evidence is currently insufficient to determine the role of this variant in disease. Therefore, it has been classified as a Variant of Uncertain Significance. This sequence change replaces lysine with asparagine at codon 671 of the GRM6 protein (p.Lys671Asn). The lysine residue is highly conserved and there is a moderate physicochemical difference between lysine and asparagine. This variant is not present in population databases (ExAC no frequency). This variant has not been reported in the literature in individuals with GRM6-related conditions. Algorithms developed to predict the effect of missense changes on protein structure and function (SIFT, PolyPhen-2, Align-GVGD) all suggest that this variant is likely to be disruptive, but these predictions have not been confirmed by published functional studies and their clinical significance is uncertain.